The following is an entry in ClinVar:

ClinVar aggregate classification (germline): Conflicting classifications of pathogenicity. Review status: criteria provided, conflicting classifications (1 of 4 stars). 6 submissions from 6 submitters: Uncertain significance (3); Likely benign (2). 1 of the submissions does not count toward it. Last evaluated 2026-07-30.

Conditions:
NF1-related disorder. Also called: NF1-related condition. Identifiers: MedGen CN379171.
Hereditary cancer-predisposing syndrome. Also called: Hereditary neoplastic syndrome; Neoplastic Syndromes, Hereditary; Hereditary Cancer Syndrome; Tumor predisposition. Identifiers: Orphanet 140162, MedGen C0027672, MeSH D009386, MONDO:0015356.
Cardiovascular phenotype. Identifiers: MedGen CN230736.
Neurofibromatosis, type 1 (NF1). Also called: Neurofibromatosis, type I; NEUROFIBROMATOSIS, TYPE I, SOMATIC; Peripheral type neurofibromatosis; VON RECKLINGHAUSEN DISEASE. Identifiers: Orphanet 636, MedGen C0027831, MONDO:0018975, OMIM 162200. Disease mechanism: loss of function.
Juvenile myelomonocytic leukemia (JMML). Also called: LEUKEMIA, JUVENILE MYELOMONOCYTIC, SOMATIC. Identifiers: Orphanet 86834, MedGen C0349639, MONDO:0011908, OMIM 607785, HP:0012209.
Neurofibromatosis, familial spinal (FSNF). Identifiers: Orphanet 636, MedGen C1834235, MONDO:0008078, OMIM 162210. Disease mechanism: loss of function.
Neurofibromatosis-Noonan syndrome (NFNS). Also called: NEUROFIBROMATOSIS WITH NOONAN PHENOTYPE. Identifiers: Orphanet 638, MedGen C2931482, MONDO:0011035, OMIM 601321. Disease mechanism: loss of function.
Café-au-lait macules with pulmonary stenosis (WTSN). Also called: PULMONIC STENOSIS WITH CAFE-AU-LAIT SPOTS. Identifiers: MedGen C0553586, MONDO:0008672, OMIM 193520.

Allele frequency attached by ClinVar (database versions not stated): gnomAD exomes below 0.00001.
gnomAD v4.1: 5 of 1,613,676 alleles (0.00031%); highest among the groups gnomAD compares: Admixed American, 0.0033%; no homozygotes.

Submissions (6):

Ambry Genetics
Classification: Likely benign for Cardiovascular phenotype; Hereditary cancer-predisposing syndrome. Last evaluated: 2026-07-30. Review status: criteria provided, single submitter. Criteria: Ambry Variant Classification Scheme 2023. Collection method: clinical testing. Allele origin: germline.

Labcorp Genetics (formerly Invitae), Labcorp
Classification: Likely benign for Neurofibromatosis, type 1. Last evaluated: 2025-11-16. Review status: criteria provided, single submitter. Criteria: Invitae Variant Classification Sherloc (09022015). Collection method: clinical testing. Allele origin: germline.

CeGaT Center for Human Genetics Tuebingen
Classification: Uncertain significance. Last evaluated: 2024-05-01. Review status: criteria provided, single submitter. Criteria: CeGaT Center For Human Genetics Tuebingen Variant Classification Criteria Version 2. Collection method: clinical testing. Allele origin: germline. Affected: yes. Observed: 1 variant allele.
Comment: NF1: PM2, BP4

Genome-Nilou Lab
Classification: Uncertain significance for Neurofibromatosis, type 1. Last evaluated: 2022-03-15. Review status: criteria provided, single submitter. Criteria: ACMG Guidelines, 2015. Collection method: clinical testing. Allele origin: germline. Affected: no.

Fulgent Genetics
Classification: Uncertain significance for Neurofibromatosis, type 1; Neurofibromatosis, familial spinal; Café-au-lait macules with pulmonary stenosis; Neurofibromatosis-Noonan syndrome; Juvenile myelomonocytic leukemia. Last evaluated: 2021-12-30. Review status: criteria provided, single submitter. Criteria: ACMG Guidelines, 2015. Collection method: clinical testing. Allele origin: unknown.

PreventionGenetics, part of Exact Sciences
Classification: Likely benign for NF1-related condition. Last evaluated: 2021-03-19. Review status: no assertion criteria provided. Collection method: clinical testing. Allele origin: germline. Not counted in ClinVar's aggregate classification.
Comment: This variant is classified as likely benign based on ACMG/AMP sequence variant interpretation guidelines (Richards et al. 2015 PMID: 25741868, with internal and published modifications).

NM_001042492.3(NF1):c.2325+4T>C

Gene: NF1 (neurofibromin 1; plus strand). Cytogenetic location: 17q11.2.
Variant type: single nucleotide variant.
Coding change: c.2325+4T>C on transcript NM_001042492.3 (MANE Select); 4 bases into the intron after coding-DNA position 2325, T replaced by C.
Molecular consequence: intron variant.
Genome position (GRCh38, 1-based): chr17:31,227,295, T>C. VCF-style: chr17-31227295-T-C. GRCh37 (hg19) VCF-style: chr17-29554313-T-C.
Other names: c.2325+4T>C (NM_001042492.2, NM_000267.4).
Identifiers: ClinVar variation 457578 (VCV000457578.37), dbSNP rs1555613934, ClinGen allele CA658656610.
Genomic context (GRCh38, chr17:31,227,295, plus strand): 5'-AAAAGAGTGATGGCACTGCTGAGGCGCATTGAGCATCCCACTGCAGGAAACACTGAGGTA[T>C]GCCCTTAGCAACAGAAACACCCCTCCCAGGCGCCCACCCTCAATTTGGAAGCCTCTTGTT-3'